The following is an entry in ClinVar:

NM_001384910.1(GUCA1A):c.515G>C (p.Arg172Pro)

Genes: GUCA1ANB-GUCA1A (GUCA1ANB-GUCA1A readthrough; plus strand), GUCA1A (guanylate cyclase activator 1A; plus strand). Cytogenetic location: 6p21.1.
Variant type: single nucleotide variant.
Coding change: c.515G>C on transcript NM_001384910.1 (MANE Select); coding-DNA position 515, G replaced by C.
Protein change: p.Arg172Pro; replaces arginine 172 with proline.
Molecular consequence: missense variant.
Genome position (GRCh38, 1-based): chr6:42,179,312, G>C. VCF-style: chr6-42179312-G-C. GRCh37 (hg19) VCF-style: chr6-42147050-G-C.
Other names: c.515G>C, p.Arg172Pro (NM_000409.5, NM_001319061.2, NM_001319062.2); short protein forms R172P.
Identifiers: ClinVar variation 1487819 (VCV001487819.8), dbSNP rs1204426776, ClinGen allele CA364110377.
Genomic context (GRCh38, chr6:42,179,312, plus strand): 5'-CCCTGGAAGAGTTTATAGAGGGCGTCCAGAAGGACCAGATGCTCCTGGACACACTGACAC[G>C]AAGCCTGGACCTTACCCGCATCGTGCGCAGGCTCCAGAATGGCGAGCAAGACGAGGAGGG-3'
Protein context (NP_001371839.1, residues 162-182): KDQMLLDTLT[Arg172Pro]SLDLTRIVRR

ClinVar aggregate classification (germline): Uncertain significance. Review status: criteria provided, multiple submitters, no conflicts (2 of 4 stars). 2 submissions from 2 submitters: Uncertain significance (2). Last evaluated 2025-11-04.

Allele frequency attached by ClinVar (database versions not stated): gnomAD exomes below 0.00001.

Submissions (2):

Dasa
Classification: Uncertain significance. Last evaluated: 2025-11-04. Review status: criteria provided, single submitter. Criteria: DASA Assertion Criteria. Collection method: clinical testing. Allele origin: germline.
Comment: NM_001384910.1(GUCA1A):c.515G>C (p.Arg172Pro) is a missense variant that results in the substitution of arginine with proline. This variant is rare in population databases. The currently available literature and clinical evidence are not sufficient to establish a definitive association between this variant and the reported condition. Therefore, this variant is classified as a variant of uncertain significance.

Labcorp Genetics (formerly Invitae), Labcorp
Classification: Uncertain significance. Last evaluated: 2022-07-11. Review status: criteria provided, single submitter. Criteria: Invitae Variant Classification Sherloc (09022015). Collection method: clinical testing. Allele origin: germline.
Comment: In summary, the available evidence is currently insufficient to determine the role of this variant in disease. Therefore, it has been classified as a Variant of Uncertain Significance. Algorithms developed to predict the effect of missense changes on protein structure and function are either unavailable or do not agree on the potential impact of this missense change (SIFT: "Not Available"; PolyPhen-2: "Possibly Damaging"; Align-GVGD: "Not Available"). ClinVar contains an entry for this variant (Variation ID: 1487819). This variant has not been reported in the literature in individuals affected with GUCA1A-related conditions. This variant is present in population databases (no rsID available, gnomAD 0.007%). This sequence change replaces arginine with proline at codon 172 of the GUCA1A protein (p.Arg172Pro). The arginine residue is moderately conserved and there is a moderate physicochemical difference between arginine and proline.